The following is an entry in ClinVar:

NM_001372.4(DNAH9):c.337C>T (p.Pro113Ser)

Gene: DNAH9 (dynein axonemal heavy chain 9; plus strand). Cytogenetic location: 17p12.
Variant type: single nucleotide variant.
Coding change: c.337C>T on transcript NM_001372.4 (MANE Select); coding-DNA position 337, C replaced by T.
Protein change: p.Pro113Ser; replaces proline 113 with serine.
Molecular consequence: missense variant.
Genome position (GRCh38, 1-based): chr17:11,598,835, C>T. VCF-style: chr17-11598835-C-T. GRCh37 (hg19) VCF-style: chr17-11502152-C-T.
Other names: c.337C>T (NM_001372.3); short protein forms P113S.
Identifiers: ClinVar variation 2962185 (VCV002962185.4), dbSNP rs746838248, ClinGen allele CA8394493.
Genomic context (GRCh38, chr17:11,598,835, plus strand): 5'-TCGGGCCTGGCTGGCGCTAAGGCGCTTTTTTTCCTTCGCACCGGGCCCGAGCCTCCAGGG[C>T]CCGACAGCTTCCGCGGCGCAGTGGTCTGCGGGGACCTGCCCGCGGCACCTCTGGAGCACC-3'
Protein context (NP_001363.2, residues 103-123): FLRTGPEPPG[Pro113Ser]DSFRGAVVCG

ClinVar aggregate classification (germline): Uncertain significance. Review status: criteria provided, multiple submitters, no conflicts (2 of 4 stars). 2 submissions from 2 submitters: Uncertain significance (2). Last evaluated 2025-08-22.

Conditions:
Inborn genetic diseases. Identifiers: MedGen C0950123, MeSH D030342.

Allele frequency attached by ClinVar (database versions not stated): ExAC 0.00011.

Submissions (2):

Ambry Genetics
Classification: Uncertain significance for Inborn genetic diseases. Last evaluated: 2025-08-22. Review status: criteria provided, single submitter. Criteria: Ambry Variant Classification Scheme 2023. Collection method: clinical testing. Allele origin: germline.

Labcorp Genetics (formerly Invitae), Labcorp
Classification: Uncertain significance. Last evaluated: 2023-12-21. Review status: criteria provided, single submitter. Criteria: Invitae Variant Classification Sherloc (09022015). Collection method: clinical testing. Allele origin: germline.
Comment: This sequence change replaces proline, which is neutral and non-polar, with serine, which is neutral and polar, at codon 113 of the DNAH9 protein (p.Pro113Ser). This variant is present in population databases (rs746838248, gnomAD 0.02%). This variant has not been reported in the literature in individuals affected with DNAH9-related conditions. Advanced modeling of protein sequence and biophysical properties (such as structural, functional, and spatial information, amino acid conservation, physicochemical variation, residue mobility, and thermodynamic stability) performed at Invitae indicates that this missense variant is not expected to disrupt DNAH9 protein function with a negative predictive value of 80%. In summary, the available evidence is currently insufficient to determine the role of this variant in disease. Therefore, it has been classified as a Variant of Uncertain Significance.